The following is an entry in ClinVar:

NM_001903.5(CTNNA1):c.9T>A (p.Ala3=)

Gene: CTNNA1 (catenin alpha 1; plus strand). Cytogenetic location: 5q31.2.
Variant type: single nucleotide variant.
Coding change: c.9T>A on transcript NM_001903.5 (MANE Select); coding-DNA position 9, T replaced by A.
Protein change: p.Ala3=; no amino-acid change (alanine 3 retained).
Molecular consequence: synonymous variant. On other transcripts: 5 prime UTR variant (2).
Genome position (GRCh38, 1-based): chr5:138,781,933, T>A. VCF-style: chr5-138781933-T-A. GRCh37 (hg19) VCF-style: chr5-138117622-T-A.
Other names: c.9T>A, p.Ala3= (NM_001290307.3, NM_001323982.2, NM_001323983.1 and 3 more transcripts); c.-105T>A (NM_001290309.3); c.-198T>A (NM_001290310.3).
Identifiers: ClinVar variation 1768944 (VCV001768944.4), dbSNP rs2532170172, ClinGen allele CA446724723.

ClinVar aggregate classification (germline): Benign/Likely benign. Review status: criteria provided, multiple submitters, no conflicts (2 of 4 stars). 3 submissions from 3 submitters: Benign (1); Likely benign (2). Last evaluated 2025-03-23.

Conditions:
Hereditary diffuse gastric adenocarcinoma (HDGC). Also called: DIFFUSE GASTRIC AND LOBULAR BREAST CANCER SYNDROME. Identifiers: Orphanet 26106, MedGen C1708349, MONDO:0007648, OMIM 137215.
Hereditary cancer-predisposing syndrome. Also called: Tumor predisposition; Neoplastic Syndromes, Hereditary; Hereditary Cancer Syndrome; Hereditary neoplastic syndrome. Identifiers: Orphanet 140162, MedGen C0027672, MeSH D009386, MONDO:0015356.

Submissions (3):

Hereditary Cancer Laboratory, Hospital Universitario 12 de Octubre
Classification: Likely benign for Hereditary cancer-predisposing syndrome. Last evaluated: 2025-03-23. Review status: criteria provided, single submitter. Criteria: ACMG Guidelines, 2015. Collection method: clinical testing. Allele origin: germline.
Comment: BP4 + BP7 + PM2

Myriad Genetics, Inc.
Classification: Benign for Hereditary diffuse gastric adenocarcinoma. Last evaluated: 2024-10-09. Review status: criteria provided, single submitter. Criteria: Myriad Autosomal Dominant, Autosomal Recessive and X-Linked Classification Criteria (2023). Collection method: clinical testing. Allele origin: unknown.
Comment: This variant is considered benign. This variant is a silent/synonymous amino acid change and it is not expected to impact splicing.

Ambry Genetics
Classification: Likely benign for Hereditary cancer-predisposing syndrome. Last evaluated: 2020-12-30. Review status: criteria provided, single submitter. Criteria: Ambry Variant Classification Scheme 2023. Collection method: clinical testing. Allele origin: germline.